The following is an entry in ClinVar:

NM_001330360.2(POLA1):c.278A>G (p.Tyr93Cys)

Gene: POLA1 (DNA polymerase alpha 1, catalytic subunit; plus strand). Cytogenetic location: Xp22.11.
Variant type: single nucleotide variant.
Coding change: c.278A>G on transcript NM_001330360.2 (MANE Select); coding-DNA position 278, A replaced by G.
Protein change: p.Tyr93Cys; replaces tyrosine 93 with cysteine.
Molecular consequence: missense variant. On other transcripts: non-coding transcript variant (2).
Genome position (GRCh38, 1-based): chrX:24,704,401, A>G. VCF-style: chrX-24704401-A-G. GRCh37 (hg19) VCF-style: chrX-24722518-A-G.
Other names: c.278A>G, p.Tyr93Cys (NM_001378303.1, NM_001440806.1); c.260A>G, p.Tyr87Cys (NM_016937.4); short protein forms Y87C, Y93C.
Identifiers: ClinVar variation 4538857 (VCV004538857.2).

ClinVar aggregate classification (germline): Uncertain significance (1 of 4 stars; one submission).

Submission:

GeneDx
Classification: Uncertain significance. Last evaluated: 2026-06-17. Review status: criteria provided, single submitter. Criteria: GeneDx Variant Classification Process June 2021. Collection method: clinical testing. Allele origin: germline.
Comment: Not observed at significant frequency in large population cohorts (gnomAD); In silico analysis supports that this missense variant has a deleterious effect on protein structure/function; Has not been previously published as pathogenic or benign to our knowledge